The following is an entry in ClinVar:

NM_002653.5(PITX1):c.226G>C (p.Gly76Arg)

Gene: PITX1 (paired like homeodomain 1; minus strand). Cytogenetic location: 5q31.1.
Variant type: single nucleotide variant.
Coding change: c.226G>C on transcript NM_002653.5 (MANE Select); coding-DNA position 226, G replaced by C.
Protein change: p.Gly76Arg; replaces glycine 76 with arginine.
Molecular consequence: missense variant.
Genome position (GRCh38, 1-based): chr5:135,031,452, C>G on the plus strand (G>C on the coding strand, the complement: PITX1 is on the minus strand). VCF-style: chr5-135031452-C-G. GRCh37 (hg19) VCF-style: chr5-134367142-C-G.
Other names: short protein forms G76R.
Identifiers: ClinVar variation 1408707 (VCV001408707.6), dbSNP rs758752422, ClinGen allele CA361028764.
Genomic context (GRCh38, chr5:135,031,452, plus strand): 5'-AGTGCGTACGTTGCCGCCGCTGCTTCTTCTTCTTGGCTGGGTCGTCTGCGCCGCCGCAGC[C>G]CGTGCCTCCCGCACCACTGTCCTCGGGCCCCTTGGGTTCCCCGCCGCGCTCCTTCTCTGC-3'
Protein context (NP_002644.4, residues 66-86): GPEDSGAGGT[Gly76Arg]CGGADDPAKK

ClinVar aggregate classification (germline): Uncertain significance (1 of 4 stars; one submission).

Submission:

Labcorp Genetics (formerly Invitae), Labcorp
Classification: Uncertain significance. Last evaluated: 2022-11-22. Review status: criteria provided, single submitter. Criteria: Invitae Variant Classification Sherloc (09022015). Collection method: clinical testing. Allele origin: germline.
Comment: In summary, the available evidence is currently insufficient to determine the role of this variant in disease. Therefore, it has been classified as a Variant of Uncertain Significance. Advanced modeling of protein sequence and biophysical properties (such as structural, functional, and spatial information, amino acid conservation, physicochemical variation, residue mobility, and thermodynamic stability) performed at Invitae indicates that this missense variant is not expected to disrupt PITX1 protein function. ClinVar contains an entry for this variant (Variation ID: 1408707). This variant has not been reported in the literature in individuals affected with PITX1-related conditions. This variant is not present in population databases (gnomAD no frequency). This sequence change replaces glycine, which is neutral and non-polar, with arginine, which is basic and polar, at codon 76 of the PITX1 protein (p.Gly76Arg).